The following is an entry in ClinVar:

NM_005005.3(NDUFB9):c.431C>T (p.Thr144Met)

Gene: NDUFB9 (NADH:ubiquinone oxidoreductase subunit B9; plus strand). Cytogenetic location: 8q24.13.
Variant type: single nucleotide variant.
Coding change: c.431C>T on transcript NM_005005.3 (MANE Select); coding-DNA position 431, C replaced by T.
Protein change: p.Thr144Met; replaces threonine 144 with methionine.
Molecular consequence: missense variant.
Genome position (GRCh38, 1-based): chr8:124,549,783, C>T. VCF-style: chr8-124549783-C-T. GRCh37 (hg19) VCF-style: chr8-125562024-C-T.
Other names: c.263C>T, p.Thr88Met (NM_001278645.2); c.302C>T, p.Thr101Met (NM_001278646.2); c.398C>T, p.Thr133Met (NM_001311168.2); short protein forms T144M, T101M, T133M, T88M.
Identifiers: ClinVar variation 1185599 (VCV001185599.10), dbSNP rs769883777, ClinGen allele CA4871591.

ClinVar aggregate classification (germline): Uncertain significance. Review status: criteria provided, single submitter (1 of 4 stars). 2 submissions from 2 submitters: Uncertain significance (1). 1 of the submissions does not count toward it. Last evaluated 2022-11-08.

Conditions:
Mitochondrial complex I deficiency, nuclear type 24. Also called: Mitochondrial complex 1 deficiency, nuclear type 24. Identifiers: MedGen C4748803, MONDO:0032628, OMIM 618245.

Allele frequency attached by ClinVar (database versions not stated): gnomAD 0.00001; gnomAD exomes 0.00009 and 0.00014; ExAC 0.00018.
gnomAD v4.1: 129 of 1,613,980 alleles (0.008%); highest among the groups gnomAD compares: South Asian, 0.12%; 2 homozygotes.

Submissions (2):

Labcorp Genetics (formerly Invitae), Labcorp
Classification: Uncertain significance. Last evaluated: 2022-11-08. Review status: criteria provided, single submitter. Criteria: Invitae Variant Classification Sherloc (09022015). Collection method: clinical testing. Allele origin: germline.
Comment: Algorithms developed to predict the effect of missense changes on protein structure and function are either unavailable or do not agree on the potential impact of this missense change (SIFT: "Deleterious"; PolyPhen-2: "Benign"; Align-GVGD: "Class C0"). ClinVar contains an entry for this variant (Variation ID: 1185599). This variant has not been reported in the literature in individuals affected with NDUFB9-related conditions. This variant is present in population databases (rs769883777, gnomAD 0.1%), and has an allele count higher than expected for a pathogenic variant. This sequence change replaces threonine, which is neutral and polar, with methionine, which is neutral and non-polar, at codon 144 of the NDUFB9 protein (p.Thr144Met). In summary, the available evidence is currently insufficient to determine the role of this variant in disease. Therefore, it has been classified as a Variant of Uncertain Significance.

Myelin Disorders Clinic-Children's Medical Center/Medical Genetics Lab-Tarbiat Modares University, Children's Medical Center, Pediatrics Center of Excellence,
Classification: Pathogenic for Mitochondrial complex I deficiency, nuclear type 24. Review status: no assertion criteria provided. Collection method: clinical testing. Allele origin: inherited. Inheritance: Autosomal recessive inheritance. Affected: yes. Not counted in ClinVar's aggregate classification.